The following is an entry in ClinVar:

NM_020754.4(ARHGAP31):c.2939C>T (p.Thr980Ile)

Gene: ARHGAP31 (Rho GTPase activating protein 31; plus strand). Cytogenetic location: 3q13.33.
Variant type: single nucleotide variant.
Coding change: c.2939C>T on transcript NM_020754.4 (MANE Select); coding-DNA position 2939, C replaced by T.
Protein change: p.Thr980Ile; replaces threonine 980 with isoleucine.
Molecular consequence: missense variant.
Genome position (GRCh38, 1-based): chr3:119,414,868, C>T. VCF-style: chr3-119414868-C-T. GRCh37 (hg19) VCF-style: chr3-119133715-C-T.
Other names: short protein forms T980I.
Identifiers: ClinVar variation 4135826 (VCV004135826.2).
Genomic context (GRCh38, chr3:119,414,868, plus strand): 5'-CGGTTAAAAGCCAGTGGACTCTCGAGGTTCCCTCCTCCAGCAGCTGTGCTAATCTTGAAA[C>T]AGAGAGGAATTCTGACCCTCTTCAGCCCCAGGCACCCAGGAGAGAGATTACTGGATGGGA-3'
Protein context (NP_065805.2, residues 970-990): PSSSSCANLE[Thr980Ile]ERNSDPLQPQ

ClinVar aggregate classification (germline): Uncertain significance. Review status: criteria provided, multiple submitters, no conflicts (2 of 4 stars). 2 submissions from 2 submitters: Uncertain significance (2). Last evaluated 2025-08-02.

Conditions:
Inborn genetic diseases. Identifiers: MedGen C0950123, MeSH D030342.

gnomAD v4.1: 10 of 1,614,214 alleles (0.00062%); highest among the groups gnomAD compares: Admixed American, 0.017%; no homozygotes.

Submissions (2):

Ambry Genetics
Classification: Uncertain significance for Inborn genetic diseases. Last evaluated: 2025-08-02. Review status: criteria provided, single submitter. Criteria: Ambry Variant Classification Scheme 2023. Collection method: clinical testing. Allele origin: germline.

Labcorp Genetics (formerly Invitae), Labcorp
Classification: Uncertain significance. Last evaluated: 2025-02-06. Review status: criteria provided, single submitter. Criteria: Invitae Variant Classification Sherloc (09022015). Collection method: clinical testing. Allele origin: germline.
Comment: This sequence change replaces threonine, which is neutral and polar, with isoleucine, which is neutral and non-polar, at codon 980 of the ARHGAP31 protein (p.Thr980Ile). This variant is present in population databases (rs191861578, gnomAD 0.02%). This variant has not been reported in the literature in individuals affected with ARHGAP31-related conditions. An algorithm developed to predict the effect of missense changes on protein structure and function (PolyPhen-2) suggests that this variant is likely to be tolerated. In summary, the available evidence is currently insufficient to determine the role of this variant in disease. Therefore, it has been classified as a Variant of Uncertain Significance.